The following is an entry in ClinVar:

ClinVar aggregate classification (germline): Uncertain significance (1 of 4 stars; one submission).

Submission:

Labcorp Genetics (formerly Invitae), Labcorp
Classification: Uncertain significance. Last evaluated: 2025-09-29. Review status: criteria provided, single submitter. Criteria: Invitae Variant Classification Sherloc (09022015). Collection method: clinical testing. Allele origin: germline.
Comment: This sequence change replaces proline, which is neutral and non-polar, with leucine, which is neutral and non-polar, at codon 1324 of the LAMA3 protein (p.Pro1324Leu). This variant is not present in population databases (gnomAD no frequency). This variant has not been reported in the literature in individuals affected with LAMA3-related conditions. Invitae Evidence Modeling of protein sequence and biophysical properties (such as structural, functional, and spatial information, amino acid conservation, physicochemical variation, residue mobility, and thermodynamic stability) has been performed for this missense variant. However, the output from this modeling did not meet the statistical confidence thresholds required to predict the impact of this variant on LAMA3 protein function. In summary, the available evidence is currently insufficient to determine the role of this variant in disease. Therefore, it has been classified as a Variant of Uncertain Significance.

NM_198129.4(LAMA3):c.8798C>T (p.Pro2933Leu)

Gene: LAMA3 (laminin subunit alpha 3; plus strand). Cytogenetic location: 18q11.2.
Variant type: single nucleotide variant.
Coding change: c.8798C>T on transcript NM_198129.4 (MANE Select); coding-DNA position 8798, C replaced by T.
Protein change: p.Pro2933Leu; replaces proline 2933 with leucine.
Molecular consequence: missense variant.
Genome position (GRCh38, 1-based): chr18:23,933,871, C>T. VCF-style: chr18-23933871-C-T. GRCh37 (hg19) VCF-style: chr18-21513835-C-T.
Other names: c.3971C>T, p.Pro1324Leu (NM_000227.6); c.8630C>T, p.Pro2877Leu (NM_001127717.4); c.3803C>T, p.Pro1268Leu (NM_001127718.4); short protein forms P1268L, P2933L, P1324L, P2877L.
Identifiers: ClinVar variation 4739521 (VCV004739521.1).